The following is an entry in ClinVar:

NM_000157.4(GBA1):c.474C>T (p.Ile158=)

Genes: GBA1 (glucosylceramidase beta 1; minus strand), LOC106627981 (GBA recombination region; plus strand). Cytogenetic location: 1q22.
Variant type: single nucleotide variant.
Coding change: c.474C>T on transcript NM_000157.4 (MANE Select); coding-DNA position 474, C replaced by T.
Protein change: p.Ile158=; no amino-acid change (isoleucine 158 retained).
Molecular consequence: synonymous variant.
Genome position (GRCh38, 1-based): chr1:155,238,631, G>A on the plus strand (C>T on the coding strand, the complement: GBA1 is on the minus strand). VCF-style: chr1-155238631-G-A. GRCh37 (hg19) VCF-style: chr1-155208422-G-A.
Other names: c.474C>T, p.Ile158= (NM_001005741.3, NM_001005742.3); c.213C>T, p.Ile71= (NM_001171811.2); c.327C>T, p.Ile109= (NM_001171812.2).
Identifiers: ClinVar variation 225285 (VCV000225285.40), dbSNP rs147411159, ClinGen allele CA358332.
Genomic context (GRCh38, chr1:155,238,631, plus strand): 5'-AGGGGTGTCTGCATAGGTGTAGGTGCGGATGGAGAAGTCACAGCTGGCCATGGGTACCCG[G>A]ATGATGTTATATCCGATTCCTACAGAAAAGGATGATCAAGATATGGTAGTCCGAGTCAAT-3'
Protein context (NP_000148.2, residues 148-168): FSEEGIGYNI[Ile158=]RVPMASCDFS

ClinVar aggregate classification (germline): Conflicting classifications of pathogenicity. Review status: criteria provided, conflicting classifications (1 of 4 stars). 6 submissions from 6 submitters: Uncertain significance (1); Likely benign (4). 1 of the submissions does not count toward it. Last evaluated 2024-11-26.

Conditions:
Gaucher disease. Also called: Acute cerebral Gaucher disease; Cerebroside lipidosis syndrome; Gaucher splenomegaly; Sphingolipidosis 1; Glucocerebrosidosis; Glucosylceramidase deficiency. Identifiers: Orphanet 355, MedGen C0017205, MONDO:0018150.

Allele frequency attached by ClinVar (database versions not stated): TOPMed 0.00048; ESP Exome Variant Server 0.00054; gnomAD 0.00057; 1000 Genomes Project 0.00060; 1000 Genomes Project 30x 0.00062; ExAC 0.00077.
gnomAD v4.1: 1,025 of 1,613,718 alleles (0.064%); highest among the groups gnomAD compares: Non-Finnish European, 0.076%; 2 homozygotes.

Submissions (6):

Blueprint Genetics
Classification: Likely benign. Last evaluated: 2024-11-26. Review status: criteria provided, single submitter. Criteria: ACMG Guidelines, 2015. Collection method: clinical testing. Allele origin: germline.

CeGaT Center for Human Genetics Tuebingen
Classification: Likely benign. Last evaluated: 2024-11-01. Review status: criteria provided, single submitter. Criteria: CeGaT Center For Human Genetics Tuebingen Variant Classification Criteria Version 2. Collection method: clinical testing. Allele origin: germline. Affected: yes. Observed: 7 variant alleles.
Comment: GBA1: BP4, BP7

Women's Health and Genetics/Laboratory Corporation of America, LabCorp
Classification: Likely benign. Last evaluated: 2022-05-03. Review status: criteria provided, single submitter. Criteria: LabCorp Variant Classification Summary - May 2015. Collection method: clinical testing. Allele origin: germline.

GeneDx
Classification: Likely benign. Last evaluated: 2021-08-20. Review status: criteria provided, single submitter. Criteria: GeneDx Variant Classification Process June 2021. Collection method: clinical testing. Allele origin: germline. Affected: yes.
Comment: This variant is associated with the following publications: (PMID: 25637381)

CSER _CC_NCGL, University of Washington
Classification: Uncertain significance for Gaucher disease. Last evaluated: 2016-01-01. Review status: criteria provided, single submitter. Criteria: Amendola et al. (Genome Res. 2015). Collection method: research. Allele origin: germline. Inheritance: Autosomal recessive inheritance. Study: CSER - NEXT Medicine variant annotation.
Comment: .GERP=2.62.ExAC Alt Allele Frequencies=AFR:0.0%,NFE:0.121%,EAS:0.0%,SAS:0.0%,FIN:0.060%,AMR:0.069%,OTH:0.0%.

Natera, Inc.
Classification: Likely benign for Gaucher disease. Last evaluated: 2020-06-02. Review status: no assertion criteria provided. Collection method: clinical testing. Allele origin: germline. Not counted in ClinVar's aggregate classification.